The following is an entry in ClinVar:

ClinVar aggregate classification (germline): Likely pathogenic (1 of 4 stars; one submission).

Conditions:
Hypogonadotropic hypogonadism 25 with anosmia. Identifiers: MedGen C5394246, MONDO:0030010, OMIM 618841.

Submission:

3billion
Classification: Likely pathogenic for Hypogonadotropic hypogonadism 25 with anosmia. Last evaluated: 2024-07-24. Review status: criteria provided, single submitter. Criteria: ACMG Guidelines, 2015. Collection method: clinical testing. Allele origin: germline. Affected: yes.
Comment: The variant is not observed in the gnomAD v4.0.0 dataset. Predicted Consequence/Location: Frameshift: predicted to result in a loss or disruption of normal protein function through protein truncation. The predicted truncated protein may be shortened by more than 10%. Therefore, this variant is classified as Likely pathogenic according to the recommendation of ACMG/AMP guideline.

NM_024574.4(NDNF):c.551_552del (p.Val184fs)

Gene: NDNF (neuron derived neurotrophic factor; minus strand). Cytogenetic location: 4q27.
Variant type: Microsatellite.
Coding change: c.551_552del on transcript NM_024574.4 (MANE Select); coding-DNA positions 551 to 552, 2 bases deleted (TG; older notation c.551_552delTG).
Protein change: p.Val184fs; shifts the reading frame from valine 184.
Molecular consequence: frameshift variant.
Genome position (GRCh38, 1-based): chr4:121,037,419-121,037,420, CA deleted on the plus strand (TG on the coding strand, the reverse complement: NDNF is on the minus strand); deleting any 2 consecutive bases within chr4:121,037,419-121,037,422 gives the same sequence; the c. name uses the placement nearest the transcript's 3' end. VCF-style (leftmost placement, unchanged base first): chr4-121037418-TCA-T. GRCh37 (hg19) VCF-style: chr4-121958573-TCA-T.
Other names: short protein forms V184fs.
Identifiers: ClinVar variation 4292410 (VCV004292410.1).